The following is an entry in ClinVar:

NM_006618.5(KDM5B):c.1520C>G (p.Ser507Ter)

Gene: KDM5B (lysine demethylase 5B; minus strand). Cytogenetic location: 1q32.1.
Variant type: single nucleotide variant.
Coding change: c.1520C>G on transcript NM_006618.5 (MANE Select); coding-DNA position 1520, C replaced by G.
Protein change: p.Ser507Ter; replaces serine 507 with a stop codon.
Molecular consequence: nonsense.
Genome position (GRCh38, 1-based): chr1:202,755,289, G>C on the plus strand (C>G on the coding strand, the complement: KDM5B is on the minus strand). VCF-style: chr1-202755289-G-C. GRCh37 (hg19) VCF-style: chr1-202724417-G-C.
Other names: c.1628C>G, p.Ser543Ter (NM_001314042.2); c.1385C>G, p.Ser462Ter (NM_001347591.2); c.1505C>G, p.Ser502Ter (NM_001399817.1); short protein forms S462*, S502*, S507*, S543*.
Identifiers: ClinVar variation 3238651 (VCV003238651.2), dbSNP rs2527535804.

ClinVar aggregate classification (germline): Likely pathogenic (0 of 4 stars; one submission).

Conditions:
Intellectual developmental disorder, autosomal recessive 65. Also called: Intellectual disability, autosomal recessive 65; MENTAL RETARDATION, AUTOSOMAL RECESSIVE 65. Identifiers: MedGen C4748219, MONDO:0020850, OMIM 618109.

Submission:

Diagnostics Centre, Carl Von Ossietzky University Oldenburg
Classification: Likely pathogenic for Intellectual developmental disorder, autosomal recessive 65. Last evaluated: 2024-01-18. Review status: no assertion criteria provided. Collection method: clinical testing. Allele origin: germline. Affected: yes. Observed: 1 variant allele.
Comment: The variant KDM5B:c.1520C>G p.(Ser507Ter), which is located in the coding exon 11 of the KDM5B gene, results from a cytosine-to-guanine substitution at nucleotide position c.1520. The serine at protein 507 is replaced by a stop codon at the translational level. The variant affects an exon (11/27) present in a biologically relevant transcript and is predicted to cause protein truncation/absent due to nonsense mediated decay in a gene where loss-of-function is a known mechanism of disease.The variant is classified as very rare in the overall population (no carriers in gnomAD, v4.1.0). In summary, the variant is classified as Likely pathogenic.